The following is an entry in ClinVar:

ClinVar aggregate classification (germline): Likely benign (1 of 4 stars; one submission).

Allele frequency attached by ClinVar (database versions not stated): 1000 Genomes Project 0.00060; gnomAD 0.00076; TOPMed 0.00088; 1000 Genomes Project 30x 0.00094; ESP Exome Variant Server 0.00116; gnomAD exomes 0.00127; ExAC 0.00170.
gnomAD v4.1: 1,984 of 1,608,566 alleles (0.12%); highest among the groups gnomAD compares: South Asian, 0.2%; 5 homozygotes.

Submission:

CeGaT Center for Human Genetics Tuebingen
Classification: Likely benign. Last evaluated: 2022-11-01. Review status: criteria provided, single submitter. Criteria: CeGaT Center For Human Genetics Tuebingen Variant Classification Criteria Version 2. Collection method: clinical testing. Allele origin: germline. Affected: yes. Observed: 1 variant allele.
Comment: SMG1: BP4, BP7

NM_015092.5(SMG1):c.9975G>A (p.Ala3325=)

Gene: SMG1 (SMG1 nonsense mediated mRNA decay associated PI3K related kinase; minus strand). Cytogenetic location: 16p12.3.
Variant type: single nucleotide variant.
Coding change: c.9975G>A on transcript NM_015092.5 (MANE Select); coding-DNA position 9975, G replaced by A.
Protein change: p.Ala3325=; no amino-acid change (alanine 3325 retained).
Molecular consequence: synonymous variant.
Genome position (GRCh38, 1-based): chr16:18,817,390, C>T on the plus strand (G>A on the coding strand, the complement: SMG1 is on the minus strand). VCF-style: chr16-18817390-C-T. GRCh37 (hg19) VCF-style: chr16-18828712-C-T.
Other names: c.8085G>A, p.Ala2695= (NM_014006.2).
Identifiers: ClinVar variation 2646268 (VCV002646268.24), dbSNP rs187828253, ClinGen allele CA7929869.
Genomic context (GRCh38, chr16:18,817,390, plus strand): 5'-ACTGTTAAACTGTGATGCAAACGAACACATCTGCTGACATCGCTTGATTAGTTCAAATAA[C>T]GCCGCATCCAGGTTTAAGGCTTCTGCAGTTCTTGTTCGTAAACTTTCAAAATGAATGATA-3'
Protein context (NP_055907.3, residues 3315-3335): RTAEALNLDA[Ala3325=]LFELIKRCQQ